The following is an entry in ClinVar:

ClinVar aggregate classification (germline): Pathogenic (1 of 4 stars; one submission).

Conditions:
Familial hypobetalipoproteinemia 1. Also called: APOB-Related Familial Hypobetalipoproteinemia; Hypobetalipoproteinemia, normotriglyceridemic; Acanthocytosis with hypobetalipoproteinemia. Identifiers: MedGen C4551990, MONDO:0014252, OMIM 615558.
Hypercholesterolemia, autosomal dominant, type B (FHCL2). Also called: Familial Hypercholesterolemia Type B; APOLIPOPROTEIN B-100, FAMILIAL DEFECTIVE; APOLIPOPROTEIN B-100, FAMILIAL LIGAND-DEFECTIVE; HYPERCHOLESTEROLEMIA, FAMILIAL, DUE TO LIGAND-DEFECTIVE APOLIPOPROTEIN B; Hyperlipoproteinemia Type IIb; Familial hypercholesterolemia 2. Identifiers: MedGen C1704417, MONDO:0007751, OMIM 144010.

Allele frequency attached by ClinVar (database versions not stated): TOPMed below 0.00001; gnomAD 0.00001.

Submission:

Labcorp Genetics (formerly Invitae), Labcorp
Classification: Pathogenic for Familial hypobetalipoproteinemia 1; Hypercholesterolemia, autosomal dominant, type B. Last evaluated: 2023-09-08. Review status: criteria provided, single submitter. Criteria: Invitae Variant Classification Sherloc (09022015). Collection method: clinical testing. Allele origin: germline.
Comment: For these reasons, this variant has been classified as Pathogenic. This variant has not been reported in the literature in individuals affected with APOB-related conditions. This variant is not present in population databases (gnomAD no frequency). This sequence change creates a premature translational stop signal (p.Thr948Leufs*6) in the APOB gene. It is expected to result in an absent or disrupted protein product. Loss-of-function variants in APOB are known to be pathogenic (PMID: 20032471).

Literature cited by the submitters: PubMed 20032471.

NM_000384.3(APOB):c.2841_2842insCT (p.Thr948fs)

Gene: APOB (apolipoprotein B; minus strand). Cytogenetic location: 2p24.1.
Variant type: Insertion.
Coding change: c.2841_2842insCT on transcript NM_000384.3 (MANE Select); coding-DNA positions 2841 to 2842, CT inserted.
Protein change: p.Thr948fs; shifts the reading frame from threonine 948.
Molecular consequence: frameshift variant.
Genome position: GRCh38 VCF-style: chr2-21019880-T-TAG. GRCh37 (hg19) VCF-style: chr2-21242752-T-TAG.
Other names: short protein forms T948fs.
Identifiers: ClinVar variation 2934540 (VCV002934540.3), dbSNP rs1043381693, ClinGen allele CA43517540.